The following is an entry in ClinVar:

NM_020312.4(COQ9):c.18A>G (p.Val6=)

Genes: COQ9 (coenzyme Q9; plus strand), LOC112469007 (Sharpr-MPRA regulatory region 5957; plus strand). Cytogenetic location: 16q21.
Variant type: single nucleotide variant.
Coding change: c.18A>G on transcript NM_020312.4 (MANE Select); coding-DNA position 18, A replaced by G.
Protein change: p.Val6=; no amino-acid change (valine 6 retained).
Molecular consequence: synonymous variant.
Genome position (GRCh38, 1-based): chr16:57,447,523, A>G. VCF-style: chr16-57447523-A-G. GRCh37 (hg19) VCF-style: chr16-57481435-A-G.
Identifiers: ClinVar variation 509392 (VCV000509392.11), dbSNP rs1452403647, ClinGen allele CA495626990.

ClinVar aggregate classification (germline): Likely benign. Review status: criteria provided, multiple submitters, no conflicts (2 of 4 stars). 3 submissions from 3 submitters: Likely benign (3). Last evaluated 2025-03-18.

Allele frequency attached by ClinVar (database versions not stated): gnomAD exomes 0.00001 and 0.00002; 1000 Genomes Project 30x 0.00031; gnomAD 0.00011; TOPMed 0.00014.
gnomAD v4.1: 31 of 1,303,320 alleles (0.0024%); highest among the groups gnomAD compares: Middle Eastern, 0.07%; no homozygotes.

Submissions (3):

Labcorp Genetics (formerly Invitae), Labcorp
Classification: Likely benign. Last evaluated: 2025-03-18. Review status: criteria provided, single submitter. Criteria: Invitae Variant Classification Sherloc (09022015). Collection method: clinical testing. Allele origin: germline.

Blueprint Genetics
Classification: Likely benign. Last evaluated: 2022-02-03. Review status: criteria provided, single submitter. Criteria: ACMG Guidelines, 2015. Collection method: clinical testing. Allele origin: germline.

GeneDx
Classification: Likely benign. Last evaluated: 2017-11-14. Review status: criteria provided, single submitter. Criteria: GeneDx Variant Classification (06012015). Collection method: clinical testing. Allele origin: germline. Affected: yes.
Comment: This variant is considered likely benign or benign based on one or more of the following criteria: it is a conservative change, it occurs at a poorly conserved position in the protein, it is predicted to be benign by multiple in silico algorithms, and/or has population frequency not consistent with disease.